The following is an entry in ClinVar:

NM_000535.7(PMS2):c.2320A>G (p.Lys774Glu)

Gene: PMS2 (PMS1 homolog 2, mismatch repair system component; minus strand). Cytogenetic location: 7p22.1.
Variant type: single nucleotide variant.
Coding change: c.2320A>G on transcript NM_000535.7 (MANE Select); coding-DNA position 2320, A replaced by G.
Protein change: p.Lys774Glu; replaces lysine 774 with glutamic acid.
Molecular consequence: missense variant. On other transcripts: non-coding transcript variant (1).
Genome position (GRCh38, 1-based): chr7:5,977,713, T>C on the plus strand (A>G on the coding strand, the complement: PMS2 is on the minus strand). VCF-style: chr7-5977713-T-C. GRCh37 (hg19) VCF-style: chr7-6017344-T-C.
Other names: c.1915A>G, p.Lys639Glu (NM_001406892.1, NM_001406893.1, NM_001406894.1 and 12 more transcripts); c.1855A>G, p.Lys619Glu (NM_001406900.1); c.1846A>G, p.Lys616Glu (NM_001406901.1, NM_001406902.1); c.1834A>G, p.Lys612Glu (NM_001406903.1); c.1807A>G, p.Lys603Glu (NM_001406904.1, NM_001406905.1); c.1759A>G, p.Lys587Glu (NM_001406906.1, NM_001406907.1, NM_001322010.2); c.1747A>G, p.Lys583Glu (NM_001406908.1, NM_001406909.1, NM_001322013.2); c.1603A>G, p.Lys535Glu (NM_001406910.1); and 20 more; short protein forms K671E, K679E, K718E, K722E, K373E, K535E, K583E, K639E.
Identifiers: ClinVar variation 1789569 (VCV001789569.2), dbSNP rs770912139, ClinGen allele CA047570.

ClinVar aggregate classification (germline): Uncertain significance (1 of 4 stars; one submission).

Conditions:
Hereditary cancer-predisposing syndrome. Also called: Hereditary Cancer Syndrome; Hereditary neoplastic syndrome; Tumor predisposition; Neoplastic Syndromes, Hereditary. Identifiers: Orphanet 140162, MedGen C0027672, MeSH D009386, MONDO:0015356.

Allele frequency attached by ClinVar (database versions not stated): ExAC 0.00001.

Submission:

Ambry Genetics
Classification: Uncertain significance for Hereditary cancer-predisposing syndrome. Last evaluated: 2022-01-12. Review status: criteria provided, single submitter. Criteria: Ambry Variant Classification Scheme 2023. Collection method: clinical testing. Allele origin: germline.
Comment: The p.K774E variant (also known as c.2320A>G), located in coding exon 14 of the PMS2 gene, results from an A to G substitution at nucleotide position 2320. The lysine at codon 774 is replaced by glutamic acid, an amino acid with similar properties. This amino acid position is conserved. In addition, this alteration is predicted to be deleterious by in silico analysis. Since supporting evidence is limited at this time, the clinical significance of this alteration remains unclear.